The following is an entry in ClinVar:

ClinVar aggregate classification (germline): Pathogenic (1 of 4 stars; one submission).

Submission:

GeneDx
Classification: Pathogenic. Last evaluated: 2018-01-16. Review status: criteria provided, single submitter. Criteria: GeneDx Variant Classification (06012015). Collection method: clinical testing. Allele origin: germline. Affected: yes.
Comment: The c.961delT variant in the OPHN1 gene has not been reported previously as a pathogenic variant nor as a benign variant, to our knowledge. The c.961delT variant causes a frameshift starting with codon Cysteine 321, changes this amino acid to a Valine residue, and creates a premature Stop codon at position 2 of the new reading frame, denoted p.Cys321ValfsX2. This variant is predicted to cause loss of normal protein function either through protein truncation or nonsense-mediated mRNA decay. The c.961delT variant is not observed in large population cohorts (Lek et al., 2016). We interpret c.961delT as a pathogenic variant.

NM_002547.3(OPHN1):c.961del (p.Cys321fs)

Gene: OPHN1 (oligophrenin 1; minus strand). Cytogenetic location: Xq12.
Variant type: Deletion.
Coding change: c.961del on transcript NM_002547.3 (MANE Select); coding-DNA position 961, one base deleted (T; older notation c.961delT).
Protein change: p.Cys321fs; shifts the reading frame from cysteine 321.
Molecular consequence: frameshift variant.
Genome position (GRCh38, 1-based): chrX:68,201,683, A deleted on the plus strand (T on the coding strand, the reverse complement: OPHN1 is on the minus strand). VCF-style (leftmost placement, unchanged base first): chrX-68201682-CA-C. GRCh37 (hg19) VCF-style: chrX-67421524-CA-C.
Other names: short protein forms C321fs.
Identifiers: ClinVar variation 504026 (VCV000504026.2), dbSNP rs1555952648, ClinGen allele CA658799766.